The following is an entry in ClinVar:

NM_000245.4(MET):c.3242A>G (p.Asn1081Ser)

Gene: MET (MET proto-oncogene, receptor tyrosine kinase; plus strand). Cytogenetic location: 7q31.2.
Variant type: single nucleotide variant.
Coding change: c.3242A>G on transcript NM_000245.4 (MANE Select); coding-DNA position 3242, A replaced by G.
Protein change: p.Asn1081Ser; replaces asparagine 1081 with serine.
Molecular consequence: missense variant.
Genome position (GRCh38, 1-based): chr7:116,775,094, A>G. VCF-style: chr7-116775094-A-G. GRCh37 (hg19) VCF-style: chr7-116415148-A-G.
Other names: c.3296A>G (LRG_662t1); c.3296A>G, p.Asn1099Ser (NM_001127500.3); c.1952A>G, p.Asn651Ser (NM_001324402.2); short protein forms N1099S, N1081S, N651S.
Identifiers: ClinVar variation 524864 (VCV000524864.15), dbSNP rs764213589, ClinGen allele CA4448666.

ClinVar aggregate classification (germline): Conflicting classifications of pathogenicity. Review status: criteria provided, conflicting classifications (1 of 4 stars). 3 submissions from 3 submitters: Uncertain significance (2); Likely benign (1). Last evaluated 2025-12-10.

Conditions:
Hereditary cancer-predisposing syndrome. Also called: Neoplastic Syndromes, Hereditary; Hereditary neoplastic syndrome; Tumor predisposition; Hereditary Cancer Syndrome. Identifiers: Orphanet 140162, MedGen C0027672, MeSH D009386, MONDO:0015356.
Renal cell carcinoma. Identifiers: Orphanet 217071, MedGen C0007134, MeSH D002292, MONDO:0005086, HP:0005584.

Allele frequency attached by ClinVar (database versions not stated): ExAC 0.00001; gnomAD 0.00001; gnomAD exomes 0.00001; TOPMed 0.00001.
gnomAD v4.1: 14 of 1,614,062 alleles (0.00087%); highest among the groups gnomAD compares: Non-Finnish European, 0.001%; no homozygotes.

Submissions (3):

Labcorp Genetics (formerly Invitae), Labcorp
Classification: Uncertain significance for Renal cell carcinoma. Last evaluated: 2025-12-10. Review status: criteria provided, single submitter. Criteria: Invitae Variant Classification Sherloc (09022015). Collection method: clinical testing. Allele origin: germline.
Comment: This sequence change replaces asparagine, which is neutral and polar, with serine, which is neutral and polar, at codon 1099 of the MET protein (p.Asn1099Ser). This variant is present in population databases (rs764213589, gnomAD 0.008%). This variant has not been reported in the literature in individuals affected with MET-related conditions. ClinVar contains an entry for this variant (Variation ID: 524864). Invitae Evidence Modeling of protein sequence and biophysical properties (such as structural, functional, and spatial information, amino acid conservation, physicochemical variation, residue mobility, and thermodynamic stability) indicates that this missense variant is not expected to disrupt MET protein function with a negative predictive value of 80%. In summary, the available evidence is currently insufficient to determine the role of this variant in disease. Therefore, it has been classified as a Variant of Uncertain Significance.

Ambry Genetics
Classification: Likely benign for Hereditary cancer-predisposing syndrome. Last evaluated: 2024-03-06. Review status: criteria provided, single submitter. Criteria: Ambry Variant Classification Scheme 2023. Collection method: clinical testing. Allele origin: germline.

GeneDx
Classification: Uncertain significance. Last evaluated: 2023-10-03. Review status: criteria provided, single submitter. Criteria: GeneDx Variant Classification Process June 2021. Collection method: clinical testing. Allele origin: germline. Affected: yes.
Comment: Not observed at significant frequency in large population cohorts (gnomAD); In silico analysis supports that this missense variant does not alter protein structure/function; Has not been previously published as pathogenic or benign to our knowledge